The following is an entry in ClinVar:

ClinVar aggregate classification (germline): Uncertain significance (1 of 4 stars; one submission).

Conditions:
CEP164-related disorder. Also called: CEP164-related condition.

gnomAD v4.1: 1 of 1,591,826 alleles (0.000063%); highest among the groups gnomAD compares: Non-Finnish European, 0.000086%; no homozygotes.

Submission:

PreventionGenetics, part of Exact Sciences
Classification: Uncertain significance for CEP164-related condition. Last evaluated: 2026-04-04. Review status: criteria provided, single submitter. Criteria: ACMG Guidelines, 2015. Collection method: clinical testing. Allele origin: germline.
Comment: The CEP164 c.3593C>T variant is predicted to result in the amino acid substitution p.Ser1198Phe. To our knowledge, this variant has not been reported in the literature or in a large population database (gnomAD), indicating this variant is rare. At this time, the clinical significance of this variant is uncertain due to the absence of conclusive functional and genetic evidence.

NM_014956.5(CEP164):c.3593C>T (p.Ser1198Phe)

Gene: CEP164 (centrosomal protein 164; plus strand). Cytogenetic location: 11q23.3.
Variant type: single nucleotide variant.
Coding change: c.3593C>T on transcript NM_014956.5 (MANE Select); coding-DNA position 3593, C replaced by T.
Protein change: p.Ser1198Phe; replaces serine 1198 with phenylalanine.
Molecular consequence: missense variant.
Genome position (GRCh38, 1-based): chr11:117,408,016, C>T. VCF-style: chr11-117408016-C-T. GRCh37 (hg19) VCF-style: chr11-117278732-C-T.
Other names: c.3602C>T, p.Ser1201Phe (NM_001271933.2); c.3599C>T, p.Ser1200Phe (NM_001440949.1); c.3593C>T, p.Ser1198Phe (NM_001440950.1, NM_001440951.1, NM_001440953.1); c.3584C>T, p.Ser1195Phe (NM_001440952.1); c.3515C>T, p.Ser1172Phe (NM_001440954.1, NM_001440955.1, NM_001440958.1 and 1 more transcripts); c.3506C>T, p.Ser1169Phe (NM_001440956.1); c.3503C>T, p.Ser1168Phe (NM_001440957.1); c.3464C>T, p.Ser1155Phe (NM_001440960.1); and 14 more; short protein forms S1073F, S1122F, S1123F, S1148F, S1172F, S1198F, S1200F, S1128F.
Identifiers: ClinVar variation 4986706 (VCV004986706.1).